The following is an entry in ClinVar:

NM_016616.5(NME8):c.485C>T (p.Pro162Leu)

Gene: NME8 (NME/NM23 family member 8; plus strand). Cytogenetic location: 7p14.1.
Variant type: single nucleotide variant.
Coding change: c.485C>T on transcript NM_016616.5 (MANE Select); coding-DNA position 485, C replaced by T.
Protein change: p.Pro162Leu; replaces proline 162 with leucine.
Molecular consequence: missense variant.
Genome position (GRCh38, 1-based): chr7:37,864,378, C>T. VCF-style: chr7-37864378-C-T. GRCh37 (hg19) VCF-style: chr7-37903980-C-T.
Other names: short protein forms P162L.
Identifiers: ClinVar variation 1393708 (VCV001393708.10), dbSNP rs200863038, ClinGen allele CA4222226.

ClinVar aggregate classification (germline): Uncertain significance. Review status: criteria provided, multiple submitters, no conflicts (2 of 4 stars). 2 submissions from 2 submitters: Uncertain significance (2). Last evaluated 2024-10-31.

Conditions:
Primary ciliary dyskinesia 6. Also called: Primary Ciliary Dyskinesia 6: TXNDC3-Related Primary Ciliary Dyskinesia. Identifiers: Orphanet 244, MedGen C1970506, MONDO:0012571, OMIM 610852.
Primary ciliary dyskinesia. Also called: Ciliary dyskinesia. Identifiers: Orphanet 244, MedGen C0008780, MONDO:0016575, HP:0012265.

Allele frequency attached by ClinVar (database versions not stated): gnomAD exomes 0.00002 and 0.00004; ExAC 0.00006; ESP Exome Variant Server 0.00008.
gnomAD v4.1: 45 of 1,590,346 alleles (0.0028%); highest among the groups gnomAD compares: Middle Eastern, 0.034%; 1 homozygote.

Submissions (2):

Labcorp Genetics (formerly Invitae), Labcorp
Classification: Uncertain significance for Primary ciliary dyskinesia 6. Last evaluated: 2024-10-31. Review status: criteria provided, single submitter. Criteria: Invitae Variant Classification Sherloc (09022015). Collection method: clinical testing. Allele origin: germline.
Comment: This sequence change replaces proline, which is neutral and non-polar, with leucine, which is neutral and non-polar, at codon 162 of the NME8 protein (p.Pro162Leu). This variant is present in population databases (rs200863038, gnomAD 0.02%). This variant has not been reported in the literature in individuals affected with NME8-related conditions. ClinVar contains an entry for this variant (Variation ID: 1393708). Invitae Evidence Modeling of protein sequence and biophysical properties (such as structural, functional, and spatial information, amino acid conservation, physicochemical variation, residue mobility, and thermodynamic stability) has been performed for this missense variant. However, the output from this modeling did not meet the statistical confidence thresholds required to predict the impact of this variant on NME8 protein function. In summary, the available evidence is currently insufficient to determine the role of this variant in disease. Therefore, it has been classified as a Variant of Uncertain Significance.

Ambry Genetics
Classification: Uncertain significance for Primary ciliary dyskinesia. Last evaluated: 2023-12-20. Review status: criteria provided, single submitter. Criteria: Ambry Variant Classification Scheme 2023. Collection method: clinical testing. Allele origin: germline.